The following is an entry in ClinVar:

ClinVar aggregate classification (germline): Uncertain significance. Review status: criteria provided, multiple submitters, no conflicts (2 of 4 stars). 4 submissions from 4 submitters: Uncertain significance (4). Last evaluated 2025-11-25.

Conditions:
Cardiovascular phenotype. Identifiers: MedGen CN230736.
Dilated cardiomyopathy 1JJ (CMD1JJ). Identifiers: Orphanet 154, MedGen C3808935, MONDO:0014095, OMIM 615235.

Allele frequency attached by ClinVar (database versions not stated): gnomAD 0.00001 and 0.00002; TOPMed 0.00001; ExAC 0.00002; gnomAD exomes 0.00002.
gnomAD v4.1: 34 of 1,613,748 alleles (0.0021%); highest among the groups gnomAD compares: Non-Finnish European, 0.0026%; no homozygotes.

Submissions (4):

Labcorp Genetics (formerly Invitae), Labcorp
Classification: Uncertain significance for Dilated cardiomyopathy 1JJ. Last evaluated: 2025-11-25. Review status: criteria provided, single submitter. Criteria: Invitae Variant Classification Sherloc (09022015). Collection method: clinical testing. Allele origin: germline.
Comment: This sequence change replaces alanine, which is neutral and non-polar, with threonine, which is neutral and polar, at codon 616 of the LAMA4 protein (p.Ala616Thr). The frequency data for this variant in the population databases is considered unreliable, as metrics indicate poor data quality at this position in the gnomAD database. This variant has not been reported in the literature in individuals affected with LAMA4-related conditions. ClinVar contains an entry for this variant (Variation ID: 1120104). Invitae Evidence Modeling of protein sequence and biophysical properties (such as structural, functional, and spatial information, amino acid conservation, physicochemical variation, residue mobility, and thermodynamic stability) has been performed for this missense variant. However, the output from this modeling did not meet the statistical confidence thresholds required to predict the impact of this variant on LAMA4 protein function. In summary, the available evidence is currently insufficient to determine the role of this variant in disease. Therefore, it has been classified as a Variant of Uncertain Significance.

Ambry Genetics
Classification: Uncertain significance for Cardiovascular phenotype. Last evaluated: 2025-05-18. Review status: criteria provided, single submitter. Criteria: Ambry Variant Classification Scheme 2023. Collection method: clinical testing. Allele origin: germline.
Comment: The p.A616T variant (also known as c.1846G>A), located in coding exon 14 of the LAMA4 gene, results from a G to A substitution at nucleotide position 1846. The alanine at codon 616 is replaced by threonine, an amino acid with similar properties. This amino acid position is highly conserved in available vertebrate species. In addition, the in silico prediction for this alteration is inconclusive. The evidence for this gene-disease relationship is limited; therefore, the clinical significance of this alteration is unclear.

Fulgent Genetics
Classification: Uncertain significance for Dilated cardiomyopathy 1JJ. Last evaluated: 2021-08-24. Review status: criteria provided, single submitter. Criteria: ACMG Guidelines, 2015. Collection method: clinical testing. Allele origin: unknown.

Laboratory for Molecular Medicine, Mass General Brigham Personalized Medicine
Classification: Uncertain significance. Last evaluated: 2020-08-18. Review status: criteria provided, single submitter. Criteria: LMM Criteria. Collection method: clinical testing. Allele origin: germline. Observed: 1 variant allele.
Comment: The p.Ala616Thr variant in LAMA4 has not been previously reported in individuals with cardiomyopathy, but has been identified in 0.003% (4/129058) of European chromosomes by gnomAD. Computational prediction tools and conservation analyses do not provide strong support for or against an impact to the protein. In summary, the clinical significance of this variant is uncertain. ACMG/AMP Criteria applied: none.

NM_001105206.3(LAMA4):c.1867G>A (p.Ala623Thr)

Gene: LAMA4 (laminin subunit alpha 4; minus strand). Cytogenetic location: 6q21.
Variant type: single nucleotide variant.
Coding change: c.1867G>A on transcript NM_001105206.3 (MANE Select); coding-DNA position 1867, G replaced by A.
Protein change: p.Ala623Thr; replaces alanine 623 with threonine.
Molecular consequence: missense variant.
Genome position (GRCh38, 1-based): chr6:112,155,657, C>T on the plus strand (G>A on the coding strand, the complement: LAMA4 is on the minus strand). VCF-style: chr6-112155657-C-T. GRCh37 (hg19) VCF-style: chr6-112476859-C-T.
Other names: c.1846G>A, p.Ala616Thr (NM_001105207.3, NM_002290.5); short protein forms A616T, A623T.
Identifiers: ClinVar variation 1120104 (VCV001120104.16), dbSNP rs782574915, ClinGen allele CA3965648.